The following is an entry in ClinVar:

NM_005068.3(SIM1):c.1919T>C (p.Met640Thr)

Gene: SIM1 (SIM bHLH transcription factor 1; minus strand). Cytogenetic location: 6q16.3.
Variant type: single nucleotide variant.
Coding change: c.1919T>C on transcript NM_005068.3 (MANE Select); coding-DNA position 1919, T replaced by C.
Protein change: p.Met640Thr; replaces methionine 640 with threonine.
Molecular consequence: missense variant.
Genome position (GRCh38, 1-based): chr6:100,390,743, A>G on the plus strand (T>C on the coding strand, the complement: SIM1 is on the minus strand). VCF-style: chr6-100390743-A-G. GRCh37 (hg19) VCF-style: chr6-100838619-A-G.
Other names: c.1919T>C, p.Met640Thr (NM_001374769.1); short protein forms M640T.
Identifiers: ClinVar variation 3358116 (VCV003358116.1).

ClinVar aggregate classification (germline): Uncertain significance (0 of 4 stars; one submission).

Conditions:
SIM1-related disorder. Also called: SIM1-related condition; SIM1-related disorders.

gnomAD v4.1: 16 of 1,613,950 alleles (0.00099%); highest among the groups gnomAD compares: African/African-American, 0.021%; no homozygotes.

Submission:

PreventionGenetics, part of Exact Sciences
Classification: Uncertain significance for SIM1-related condition. Last evaluated: 2024-08-22. Review status: no assertion criteria provided. Collection method: clinical testing. Allele origin: germline.
Comment: The SIM1 c.1919T>C variant is predicted to result in the amino acid substitution p.Met640Thr. To our knowledge, this variant has not been reported in the literature. This variant is reported in 0.037% of alleles in individuals of African descent in gnomAD. At this time, the clinical significance of this variant is uncertain due to the absence of conclusive functional and genetic evidence.